The following is an entry in ClinVar:

ClinVar aggregate classification (germline): Uncertain significance. Review status: criteria provided, multiple submitters, no conflicts (2 of 4 stars). 2 submissions from 2 submitters: Uncertain significance (2). Last evaluated 2023-05-31.

Conditions:
Non-syndromic renal or urinary tract malformation. Identifiers: Orphanet 93546, MedGen C5681585, MONDO:0019720.
Inborn genetic diseases. Identifiers: MedGen C0950123, MeSH D030342.

gnomAD v4.1: 41 of 1,598,798 alleles (0.0026%); highest among the groups gnomAD compares: East Asian, 0.011%; no homozygotes.

Submissions (2):

Ambry Genetics
Classification: Uncertain significance for Inborn genetic diseases. Last evaluated: 2023-05-31. Review status: criteria provided, single submitter. Criteria: Ambry Variant Classification Scheme 2023. Collection method: clinical testing. Allele origin: germline.

Victorian Clinical Genetics Services, Murdoch Childrens Research Institute
Classification: Uncertain significance for Non-syndromic renal or urinary tract malformation. Last evaluated: 2021-05-06. Review status: criteria provided, single submitter. Criteria: ACMG Guidelines, 2015. Collection method: clinical testing. Allele origin: germline. Inheritance: Autosomal dominant inheritance.
Comment: Based on the classification scheme VCGS_Germline_v1.3.4, this variant is classified as VUS-3C. Following criteria are met: 0105 - The mechanism of disease for this gene is not clearly established. (I) 0107 - This gene is associated with autosomal dominant disease. (I) 0200 - Variant is predicted to result in a missense amino acid change from serine to leucine. (I) 0251 - This variant is heterozygous. (I) 0302 - Variant is present in gnomAD (v3) <0.001 for a dominant condition (9 heterozygotes, 0 homozygotes). (SP) 0309 - An alternative amino acid change at the same position has been observed in gnomAD (v2) (11 heterozygotes, 0 homozygotes). (I) 0504 - Same amino acid change has been observed in placental mammals. (SB) 0604 - Variant is not located in an established domain, motif, hotspot or informative constraint region. (I) 0705 - No comparable missense variants have previous evidence for pathogenicity. (I) 0807 - This variant has no previous evidence of pathogenicity. (I) 0905 - No published segregation evidence has been identified for this variant. (I) 1007 - No published functional evidence has been identified for this variant. (I) 1208 - Inheritance information for this variant is not currently available in this individual. (I) Legend: (SP) - Supporting pathogenic, (I) - Information, (SB) - Supporting benign

NM_001396959.1(TBC1D1):c.1418C>T (p.Ser473Leu)

Gene: TBC1D1 (TBC1 domain family member 1; plus strand). Cytogenetic location: 4p14.
Variant type: single nucleotide variant.
Coding change: c.1418C>T on transcript NM_001396959.1 (MANE Select); coding-DNA position 1418, C replaced by T.
Protein change: p.Ser473Leu; replaces serine 473 with leucine.
Molecular consequence: missense variant.
Genome position (GRCh38, 1-based): chr4:38,044,366, C>T. VCF-style: chr4-38044366-C-T. GRCh37 (hg19) VCF-style: chr4-38045987-C-T.
Other names: c.1418C>T, p.Ser473Leu (NM_001253912.2, NM_015173.4); c.1418C>T (NM_015173.2); short protein forms S473L.
Identifiers: ClinVar variation 1699059 (VCV001699059.4), dbSNP rs540156102, ClinGen allele CA2887758.